The following is an entry in ClinVar:

NM_004637.6(RAB7A):c.385C>T (p.Leu129Phe)

Gene: RAB7A (RAB7A, member RAS oncogene family; plus strand). Cytogenetic location: 3q21.3.
Variant type: single nucleotide variant.
Coding change: c.385C>T on transcript NM_004637.6 (MANE Select); coding-DNA position 385, C replaced by T.
Protein change: p.Leu129Phe; replaces leucine 129 with phenylalanine.
Molecular consequence: missense variant.
Genome position (GRCh38, 1-based): chr3:128,806,576, C>T. VCF-style: chr3-128806576-C-T. GRCh37 (hg19) VCF-style: chr3-128525419-C-T.
Other names: short protein forms L129F.
Identifiers: ClinVar variation 7345 (VCV000007345.10), dbSNP rs121909078, ClinGen allele CA219656.

ClinVar aggregate classification (germline): Pathogenic. Review status: criteria provided, multiple submitters, no conflicts (2 of 4 stars). 5 submissions from 5 submitters: Pathogenic (2). 3 of the submissions do not count toward it. Last evaluated 2025-06-30.

Conditions:
Charcot-Marie-Tooth disease type 2B (CMT2B). Also called: HEREDITARY MOTOR AND SENSORY NEUROPATHY IIB; Charcot-Marie-Tooth Neuropathy Type 2B; CHARCOT-MARIE-TOOTH DISEASE, AXONAL, TYPE 2B; CHARCOT-MARIE-TOOTH DISEASE, AUTOSOMAL DOMINANT, TYPE 2B. Identifiers: Orphanet 99936, MedGen C1833219, MONDO:0010949, OMIM 600882.
Charcot-Marie-Tooth disease. Also called: Charcot-Marie-Tooth Hereditary Neuropathy; Charcot-Marie-Tooth Neuropathy. Identifiers: Orphanet 166, MedGen C0007959, MONDO:0015626.

Submissions (5):

Athena Diagnostics
Classification: Pathogenic. Last evaluated: 2025-06-30. Review status: criteria provided, single submitter. Criteria: Athena Diagnostics Criteria. Collection method: clinical testing. Allele origin: unknown.
Comment: This variant has not been reported in large, multi-ethnic general populations. This variant has been identified in multiple unrelated individuals with clinical features associated with this gene. This variant segregates with disease in at least one family. Assessment of experimental evidence suggests this variant results in abnormal protein function. (PMID: 20028791, 23616551, 26791407, 30612743, 34486665)

Labcorp Genetics (formerly Invitae), Labcorp
Classification: Pathogenic for Charcot-Marie-Tooth disease type 2B. Last evaluated: 2021-09-06. Review status: criteria provided, single submitter. Criteria: Invitae Variant Classification Sherloc (09022015). Collection method: clinical testing. Allele origin: germline.
Comment: For these reasons, this variant has been classified as Pathogenic. This sequence change replaces leucine with phenylalanine at codon 129 of the RAB7A protein (p.Leu129Phe). The leucine residue is highly conserved and there is a small physicochemical difference between leucine and phenylalanine. This variant is not present in population databases (ExAC no frequency). This missense change has been observed in individual(s) with Charcot-Marie-Tooth disease in a large family, and is thought to be a founder mutation originating from Austria (PMID: 10636124, 11094113, 12545426, 19651702). It is commonly reported in individuals of Austrian ancestry (PMID: 10636124, 11094113, 12545426, 19651702). ClinVar contains an entry for this variant (Variation ID: 7345). Algorithms developed to predict the effect of missense changes on protein structure and function are either unavailable or do not agree on the potential impact of this missense change (SIFT: "Tolerated"; PolyPhen-2: "Possibly Damaging"; Align-GVGD: "Class C0"). Experimental studies have shown that this missense change affects RAB7A function (PMID: 18272684, 20028791, 21151572, 23179371, 23188822, 24521780, 26791407).

OMIM
Classification: Pathogenic for CHARCOT-MARIE-TOOTH DISEASE, AXONAL, TYPE 2B. Last evaluated: 2003-03-01. Review status: no assertion criteria provided. Collection method: literature only. Allele origin: germline. Not counted in ClinVar's aggregate classification.

Inherited Neuropathy Consortium
Classification: Uncertain significance for Charcot-Marie-Tooth disease. Review status: no assertion criteria provided. Collection method: literature only. Allele origin: germline. Affected: yes. Not counted in ClinVar's aggregate classification.

UniProtKB/Swiss-Prot
No classification provided. Review status: no classification provided. Collection method: not provided. Allele origin: not provided. Not counted in ClinVar's aggregate classification.

Literature cited by the submitters: PubMed 26791407 (cited by Athena Diagnostics and Labcorp Genetics (formerly Invitae), Labcorp); PubMed 24521780 (cited by Athena Diagnostics and Labcorp Genetics (formerly Invitae), Labcorp); PubMed 23188822 (cited by Athena Diagnostics and Labcorp Genetics (formerly Invitae), Labcorp); PubMed 23179371 (cited by Athena Diagnostics and Labcorp Genetics (formerly Invitae), Labcorp); PubMed 21151572 (cited by Athena Diagnostics and Labcorp Genetics (formerly Invitae), Labcorp); PubMed 20028791 (cited by Athena Diagnostics and Labcorp Genetics (formerly Invitae), Labcorp); PubMed 19651702 (cited by Athena Diagnostics and Labcorp Genetics (formerly Invitae), Labcorp); PubMed 18272684 (cited by Athena Diagnostics and Labcorp Genetics (formerly Invitae), Labcorp); PubMed 12545426 (cited by 4 submitters); PubMed 29130394 (cited by Athena Diagnostics); PubMed 30612743 (cited by Athena Diagnostics); PubMed 23616551 (cited by Athena Diagnostics); PubMed 35887194 (cited by Athena Diagnostics); PubMed 24327558 (cited by Athena Diagnostics); PubMed 34486665 (cited by Athena Diagnostics); PubMed 39181128 (cited by Athena Diagnostics); PubMed 10636124 (cited by Labcorp Genetics (formerly Invitae), Labcorp and OMIM); PubMed 11094113 (cited by Labcorp Genetics (formerly Invitae), Labcorp and OMIM).